The following is an entry in ClinVar:

NM_022124.6(CDH23):c.3566G>T (p.Arg1189Leu)

Genes: CDH23 (cadherin related 23; plus strand), C10orf105 (chromosome 10 open reading frame 105; minus strand). Cytogenetic location: 10q22.1.
Variant type: single nucleotide variant.
Coding change: c.3566G>T on transcript NM_022124.6 (MANE Select); coding-DNA position 3566, G replaced by T.
Protein change: p.Arg1189Leu; replaces arginine 1189 with leucine.
Molecular consequence: missense variant. On other transcripts: intron variant (1).
Genome position (GRCh38, 1-based): chr10:71,725,507, G>T. VCF-style: chr10-71725507-G-T. GRCh37 (hg19) VCF-style: chr10-73485264-G-T.
Other names: c.3566G>T, p.Arg1189Leu (NM_001171930.2); c.-5-9165C>A (NM_001168390.2); short protein forms R1189L.
Identifiers: ClinVar variation 228493 (VCV000228493.5), dbSNP rs876657755, ClinGen allele CA10576814.

ClinVar aggregate classification (germline): Uncertain significance (1 of 4 stars; one submission).

Submission:

Laboratory for Molecular Medicine, Mass General Brigham Personalized Medicine
Classification: Uncertain significance. Last evaluated: 2016-02-28. Review status: criteria provided, single submitter. Criteria: LMM Criteria. Collection method: clinical testing. Allele origin: germline. Observed: 1 variant allele.
Comment: The p.Arg1189Leu variant in CDH23 has not been previously reported in individual s with hearing loss or Usher syndrome and was absent from large population studi es. Computational prediction tools and conservation analyses suggest that the p. Arg1189Leu variant may impact the protein, though this information is not predic tive enough to determine pathogenicity. In summary, the clinical significance of the p.Arg1189Leu variant is uncertain.

Literature cited by the submitters: PubMed 21569298; PubMed 24618850.